The following is an entry in ClinVar:

ClinVar aggregate classification (germline): Likely benign (1 of 4 stars; one submission).

Allele frequency attached by ClinVar (database versions not stated): gnomAD 0.00011; ExAC 0.00012; ESP Exome Variant Server 0.00015; 1000 Genomes Project 0.00020; 1000 Genomes Project 30x 0.00031.
gnomAD v4.1: 280 of 1,611,720 alleles (0.017%); highest among the groups gnomAD compares: Non-Finnish European, 0.022%; no homozygotes.

Submission:

CeGaT Center for Human Genetics Tuebingen
Classification: Likely benign. Last evaluated: 2022-03-01. Review status: criteria provided, single submitter. Criteria: CeGaT Center For Human Genetics Tuebingen Variant Classification Criteria Version 2. Collection method: clinical testing. Allele origin: germline. Affected: yes. Observed: 1 variant allele.
Comment: UNKL: BP4, BP7

NM_001372107.1(UNKL):c.507C>T (p.Gly169=)

Gene: UNKL (unk like zinc finger; minus strand). Cytogenetic location: 16p13.3.
Variant type: single nucleotide variant.
Coding change: c.507C>T on transcript NM_001372107.1 (MANE Select); coding-DNA position 507, C replaced by T.
Protein change: p.Gly169=; no amino-acid change (glycine 169 retained).
Molecular consequence: synonymous variant. On other transcripts: non-coding transcript variant (1).
Genome position (GRCh38, 1-based): chr16:1,401,659, G>A on the plus strand (C>T on the coding strand, the complement: UNKL is on the minus strand). VCF-style: chr16-1401659-G-A. GRCh37 (hg19) VCF-style: chr16-1451660-G-A.
Other names: c.507C>T, p.Gly169= (NM_001037125.4, NM_001193388.4).
Identifiers: ClinVar variation 2645897 (VCV002645897.24), dbSNP rs148808750, ClinGen allele CA7808725.
Genomic context (GRCh38, chr16:1,401,659, plus strand): 5'-CTCAATCATGGCCTGGCTGGCCAAGACCCCAGGCTGCAGATCCGGGACCCCTTCCCCGCC[G>A]CCCAGCTGGCCGTTCTGCAAGGCTTCCTGGGCCTGCAGCTCCCTGCAAGCCGAGGACACA-3'
Protein context (NP_001359036.1, residues 159-179): AQEALQNGQL[Gly169=]GGEGVPDLQP